The following is an entry in ClinVar:

ClinVar aggregate classification (germline): Uncertain significance (3 of 4 stars; one submission).

Conditions:
Open-angle glaucoma. Identifiers: MedGen C0017612, MONDO:0005338, HP:0012108.

Allele frequency attached by ClinVar (database versions not stated): ExAC 0.00001; gnomAD 0.00001; TOPMed 0.00001; gnomAD exomes 0.00003.

Submission:

ClinGen Glaucoma Variant Curation Expert Panel
Classification: Uncertain significance for Open-angle glaucoma. Last evaluated: 2025-11-12. Review status: reviewed by expert panel. Criteria: ClinGen Glaucoma ACMG Specifications V2.0.0 Approved. Collection method: curation. Allele origin: germline. Inheritance: Autosomal dominant inheritance.
Comment: The c.731G>T variant in MYOC is a missense variant predicted to cause substitution of Glycine by Valine at amino acid 244 (p.Gly244Val). The highest minor allele frequency of this variant was in the Remaining genetic ancestry group of gnomAD (v4.1.0) = 0.00004807 (3 alleles out of 62,404), which met the ≤ 0.0001 threshold set for PM2_Supporting in a genetic ancestry group of at least 10,000 alleles. The REVEL score = 0.748, which was within the 0.644-0.772 range for PP3, predicting a damaging effect on MYOC function. The Gly244Val protein had similar secretion levels to wild type myocilin protein in this study (PMID: 27092720). The assay did not meet the OddsPath threshold for BS3_Supporting (< 4.8). No segregations have been reported in individuals carrying this variant and no other likely pathogenic or pathogenic variant. 2 probands with primary open angle glaucoma have been reported carrying this variant (PMID:17210859, E. Souzeau (pers. comm.)), which met PS4_Supporting (≥ 2 probands). In summary, this variant met the criteria to receive a score of 3 and to be classified as a variant of uncertain significance (uncertain significance classification range -1 to 5, adapted from PMID: 32720330) for primary open angle glaucoma based on the ACMG/AMP criteria met, as specified by the ClinGen Glaucoma VCEP (v2.0.0, 5 Dec 2024): PP3, PS4_Supporting, PM2_Supporting.

NM_000261.2(MYOC):c.731G>T (p.Gly244Val)

Gene: MYOC (myocilin; minus strand). Cytogenetic location: 1q24.3.
Variant type: single nucleotide variant.
Coding change: c.731G>T on transcript NM_000261.2 (MANE Select); coding-DNA position 731, G replaced by T.
Protein change: p.Gly244Val; replaces glycine 244 with valine.
Molecular consequence: missense variant.
Genome position (GRCh38, 1-based): chr1:171,636,709, C>A on the plus strand (G>T on the coding strand, the complement: MYOC is on the minus strand). VCF-style: chr1-171636709-C-A. GRCh37 (hg19) VCF-style: chr1-171605849-C-A.
Other names: NM_000261.2:c.731G>T; short protein forms G244V.
Identifiers: ClinVar variation 1342209 (VCV001342209.6), dbSNP rs757769997, ClinGen allele CA1244164.
Genomic context (GRCh38, chr1:171,636,709, plus strand): 5'-GTAATTGTTTCTGCTGTTCTCAGCGTGAGAGGCTCTCCTACCCAAACTAGTTCTCCACAT[C>A]CTGGTAAATTCAGAAAAGAAAACGAAGCACCACTTAATCCATAATCTTTCCAAACACAGA-3'
Protein context (NP_000252.1, residues 234-254): GYLRSGEGDT[Gly244Val]CGELVWVGEP